The following is an entry in ClinVar:

NC_000017.10:g.(?_72283110)_(72283243_?)dup

Gene: DNAI2 (dynein axonemal intermediate chain 2; plus strand). Cytogenetic location: 17q25.1.
Variant type: Duplication.
Identifiers: ClinVar variation 1524289 (VCV001524289.14).

ClinVar aggregate classification (germline): Likely pathogenic (1 of 4 stars; one submission).

Conditions:
Primary ciliary dyskinesia. Also called: Ciliary dyskinesia. Identifiers: Orphanet 244, MedGen C0008780, MONDO:0016575, HP:0012265.

Submission:

Labcorp Genetics (formerly Invitae), Labcorp
Classification: Likely pathogenic for Primary ciliary dyskinesia. Last evaluated: 2020-11-27. Review status: criteria provided, single submitter. Criteria: Invitae Variant Classification Sherloc (09022015). Collection method: clinical testing. Allele origin: germline.
Comment: In summary, the currently available evidence indicates that the variant is pathogenic, but additional data are needed to prove that conclusively. Therefore, this variant has been classified as Likely Pathogenic. This copy number gain has been observed in individual(s) with clinical features of primary ciliary dyskinesia (Invitae). This variant results in a copy number gain of the genomic region encompassing exon(s) 4 of the DNAI2 gene. While the exact position of this variant cannot be determined from the data, sub-genic copy number gains are generally in tandem (PMID: 25640679). This variant is predicted to be out-of-frame, and may result in an absent or disrupted protein product. Loss-of-function variants in DNAI2 are known to be pathogenic (PMID: 18950741, 23891469).

Literature cited by the submitters: PubMed 25640679; PubMed 18950741; PubMed 23891469.